The following is an entry in ClinVar:

NM_001130987.2(DYSF):c.1308_1309del (p.Gln436fs)

Gene: DYSF (dysferlin; plus strand). Cytogenetic location: 2p13.2.
Variant type: Deletion.
Coding change: c.1308_1309del on transcript NM_001130987.2 (MANE Select); coding-DNA positions 1308 to 1309, 2 bases deleted (GA; older notation c.1308_1309delGA).
Protein change: p.Gln436fs; shifts the reading frame from glutamine 436.
Molecular consequence: frameshift variant.
Genome position (GRCh38, 1-based): chr2:71,528,329-71,528,330, GA deleted; deleting any 2 consecutive bases within chr2:71,528,328-71,528,330 gives the same sequence; the c. name uses the placement nearest the transcript's 3' end. VCF-style (leftmost placement, unchanged base first): chr2-71528327-CAG-C. GRCh37 (hg19) VCF-style: chr2-71755457-CAG-C.
Other names: c.1215_1216del, p.Gln405fs (NM_001130455.2, NM_001130983.2, NM_001130984.2 and 1 more transcripts); c.1212_1213del, p.Gln404fs (NM_001130976.2, NM_001130977.2, NM_001130978.2 and 1 more transcripts); c.1305_1306del, p.Gln435fs (NM_001130979.2, NM_001130980.2, NM_001130981.2); c.1308_1309del, p.Gln436fs (NM_001130982.2, NM_001130985.2); short protein forms Q405fs, Q435fs, Q404fs, Q436fs.
Identifiers: ClinVar variation 2101482 (VCV002101482.4), dbSNP rs1379806424, ClinGen allele CA892665973.

ClinVar aggregate classification (germline): Pathogenic (1 of 4 stars; one submission).

Conditions:
Neuromuscular disease caused by qualitative or quantitative defects of dysferlin. Also called: Qualitative or quantitative defects of dysferlin; Dysferlinopathy. Identifiers: Orphanet 207073, MedGen C2931687, MONDO:0016145.

Submission:

Labcorp Genetics (formerly Invitae), Labcorp
Classification: Pathogenic for Neuromuscular disease caused by qualitative or quantitative defects of dysferlin. Last evaluated: 2022-02-22. Review status: criteria provided, single submitter. Criteria: Invitae Variant Classification Sherloc (09022015). Collection method: clinical testing. Allele origin: germline.
Comment: This sequence change creates a premature translational stop signal (p.Gln404Hisfs*7) in the DYSF gene. It is expected to result in an absent or disrupted protein product. Loss-of-function variants in DYSF are known to be pathogenic (PMID: 17698709, 20301480). This variant is not present in population databases (gnomAD no frequency). This variant has not been reported in the literature in individuals affected with DYSF-related conditions. For these reasons, this variant has been classified as Pathogenic.

Literature cited by the submitters: PubMed 17698709; PubMed 20301480.